The following is an entry in ClinVar:

ClinVar aggregate classification (germline): Uncertain significance (1 of 4 stars; one submission).

Conditions:
Early Myoclonic Encephalopathy. Identifiers: MedGen C0270855.

Submission:

Labcorp Genetics (formerly Invitae), Labcorp
Classification: Uncertain significance for Early Myoclonic Encephalopathy. Last evaluated: 2022-06-28. Review status: criteria provided, single submitter. Criteria: Invitae Variant Classification Sherloc (09022015). Collection method: clinical testing. Allele origin: germline.
Comment: This sequence change replaces lysine, which is basic and polar, with threonine, which is neutral and polar, at codon 1367 of the JMJD1C protein (p.Lys1367Thr). This variant is not present in population databases (gnomAD no frequency). This variant has not been reported in the literature in individuals affected with JMJD1C-related conditions. Algorithms developed to predict the effect of missense changes on protein structure and function are either unavailable or do not agree on the potential impact of this missense change (SIFT: "Deleterious"; PolyPhen-2: "Benign"; Align-GVGD: "Class C0"). In summary, the available evidence is currently insufficient to determine the role of this variant in disease. Therefore, it has been classified as a Variant of Uncertain Significance.

NM_032776.3(JMJD1C):c.4100A>C (p.Lys1367Thr)

Gene: JMJD1C (jumonji domain containing 1C; minus strand). Cytogenetic location: 10q21.3.
Variant type: single nucleotide variant.
Coding change: c.4100A>C on transcript NM_032776.3 (MANE Select); coding-DNA position 4100, A replaced by C.
Protein change: p.Lys1367Thr; replaces lysine 1367 with threonine.
Molecular consequence: missense variant. On other transcripts: non-coding transcript variant (1).
Genome position (GRCh38, 1-based): chr10:63,207,569, T>G on the plus strand (A>C on the coding strand, the complement: JMJD1C is on the minus strand). VCF-style: chr10-63207569-T-G. GRCh37 (hg19) VCF-style: chr10-64967329-T-G.
Other names: c.3554A>C, p.Lys1185Thr (NM_001282948.2, NM_001318154.2); c.3236A>C, p.Lys1079Thr (NM_001318153.2); c.3986A>C, p.Lys1329Thr (NM_001322252.2); c.3443A>C, p.Lys1148Thr (NM_001322254.2, NM_001322258.2); short protein forms K1148T, K1079T, K1367T, K1329T, K1185T.
Identifiers: ClinVar variation 1492622 (VCV001492622.6), dbSNP rs2133151720, ClinGen allele CA377038548.